The following is an entry in ClinVar:

ClinVar aggregate classification (germline): Uncertain significance (1 of 4 stars; one submission).

Conditions:
Congenital contractural arachnodactyly (CCA). Also called: Beals-Hecht syndrome; BEALS SYNDROME; Arthrogryposis, distal, type 9. Identifiers: Orphanet 115, MedGen C0220668, MONDO:0007363, OMIM 121050.

gnomAD v4.1: 2 of 1,613,950 alleles (0.00012%); highest among the groups gnomAD compares: South Asian, 0.0011%; no homozygotes.

Submission:

Labcorp Genetics (formerly Invitae), Labcorp
Classification: Uncertain significance for Congenital contractural arachnodactyly. Last evaluated: 2026-01-25. Review status: criteria provided, single submitter. Criteria: Invitae Variant Classification Sherloc (09022015). Collection method: clinical testing. Allele origin: germline.
Comment: This sequence change replaces threonine, which is neutral and polar, with isoleucine, which is neutral and non-polar, at codon 2318 of the FBN2 protein (p.Thr2318Ile). This variant is present in population databases (rs371248509, gnomAD 0.0009%). This variant has not been reported in the literature in individuals affected with FBN2-related conditions. ClinVar contains an entry for this variant (Variation ID: 3703932). Invitae Evidence Modeling of protein sequence and biophysical properties (such as structural, functional, and spatial information, amino acid conservation, physicochemical variation, residue mobility, and thermodynamic stability) indicates that this missense variant is expected to disrupt FBN2 protein function with a positive predictive value of 80%. In summary, the available evidence is currently insufficient to determine the role of this variant in disease. Therefore, it has been classified as a Variant of Uncertain Significance.

NM_001999.4(FBN2):c.6953C>T (p.Thr2318Ile)

Gene: FBN2 (fibrillin 2; minus strand). Cytogenetic location: 5q23.3.
Variant type: single nucleotide variant.
Coding change: c.6953C>T on transcript NM_001999.4 (MANE Select); coding-DNA position 6953, C replaced by T.
Protein change: p.Thr2318Ile; replaces threonine 2318 with isoleucine.
Molecular consequence: missense variant.
Genome position (GRCh38, 1-based): chr5:128,286,777, G>A on the plus strand (C>T on the coding strand, the complement: FBN2 is on the minus strand). VCF-style: chr5-128286777-G-A. GRCh37 (hg19) VCF-style: chr5-127622469-G-A.
Other names: short protein forms T2318I.
Identifiers: ClinVar variation 3703932 (VCV003703932.2).